The following is an entry in ClinVar:

ClinVar aggregate classification (germline): Uncertain significance (1 of 4 stars; one submission).

Submission:

GeneDx
Classification: Uncertain significance. Last evaluated: 2026-04-28. Review status: criteria provided, single submitter. Criteria: GeneDx Variant Classification Process June 2021. Collection method: clinical testing. Allele origin: germline.
Comment: Not observed at significant frequency in large population cohorts (gnomAD); In silico analysis supports that this missense variant has a deleterious effect on protein structure/function; De novo variant with confirmed parentage in patients referred for genetic testing at GeneDx with reported clinical features that are only partially consistent with the features typically observed in individuals with pathogenic variants in this gene; Has not been previously published as pathogenic or benign to our knowledge

NM_000214.3(JAG1):c.571T>C (p.Tyr191His)

Gene: JAG1 (jagged canonical Notch ligand 1; minus strand). Cytogenetic location: 20p12.2.
Variant type: single nucleotide variant.
Coding change: c.571T>C on transcript NM_000214.3 (MANE Select); coding-DNA position 571, T replaced by C.
Protein change: p.Tyr191His; replaces tyrosine 191 with histidine.
Molecular consequence: missense variant.
Genome position (GRCh38, 1-based): chr20:10,658,591, A>G on the plus strand (T>C on the coding strand, the complement: JAG1 is on the minus strand). VCF-style: chr20-10658591-A-G. GRCh37 (hg19) VCF-style: chr20-10639239-A-G.
Other names: short protein forms Y191H.
Identifiers: ClinVar variation 2497941 (VCV002497941.2), dbSNP rs2514526534, ClinGen allele CA408240225.